The following is an entry in ClinVar:

ClinVar aggregate classification (germline): Conflicting classifications of pathogenicity. Review status: criteria provided, conflicting classifications (1 of 4 stars). 9 submissions from 8 submitters: Uncertain significance (2); Benign (1); Likely benign (3). 3 of the submissions do not count toward it. Last evaluated 2026-01-09.

Conditions:
Inborn genetic diseases. Identifiers: MedGen C0950123, MeSH D030342.
Branchiootic syndrome 3 (BOS3). Also called: BO SYNDROME 3. Identifiers: MedGen C1842124, MONDO:0012025, OMIM 608389.
Autosomal dominant nonsyndromic hearing loss 23. Identifiers: Orphanet 90635, MedGen C1854594, MONDO:0011519, OMIM 605192.
SIX1-related disorder. Also called: SIX1-related condition.

Allele frequency attached by ClinVar (database versions not stated): 1000 Genomes Project 30x 0.00031; ESP Exome Variant Server 0.00031; gnomAD 0.00032 and 0.00038; 1000 Genomes Project 0.00040.
gnomAD v4.1: 740 of 1,606,770 alleles (0.046%); highest among the groups gnomAD compares: South Asian, 0.12%; 1 homozygote.

Submissions (9):

Labcorp Genetics (formerly Invitae), Labcorp
Classification: Uncertain significance for Autosomal dominant nonsyndromic hearing loss 23; Branchiootic syndrome 3. Last evaluated: 2026-01-09. Review status: criteria provided, single submitter. Criteria: Invitae Variant Classification Sherloc (09022015). Collection method: clinical testing. Allele origin: germline.
Comment: This sequence change replaces asparagine, which is neutral and polar, with isoleucine, which is neutral and non-polar, at codon 193 of the SIX1 protein (p.Asn193Ile). This variant is present in population databases (rs142301715, gnomAD 0.07%), and has an allele count higher than expected for a pathogenic variant. This variant has not been reported in the literature in individuals affected with SIX1-related conditions. ClinVar contains an entry for this variant (Variation ID: 313465). Invitae Evidence Modeling of protein sequence and biophysical properties (such as structural, functional, and spatial information, amino acid conservation, physicochemical variation, residue mobility, and thermodynamic stability) indicates that this missense variant is not expected to disrupt SIX1 protein function with a negative predictive value of 80%. In summary, the available evidence is currently insufficient to determine the role of this variant in disease. Therefore, it has been classified as a Variant of Uncertain Significance.

Mayo Clinic Laboratories, Mayo Clinic
Classification: Likely benign. Last evaluated: 2025-09-22. Review status: criteria provided, single submitter. Criteria: ACMG Guidelines, 2015. Collection method: clinical testing. Allele origin: germline. Observed: 2 variant alleles.
Comment: BS1

Ambry Genetics
Classification: Uncertain significance for Inborn genetic diseases. Last evaluated: 2024-12-13. Review status: criteria provided, single submitter. Criteria: Ambry Variant Classification Scheme 2023. Collection method: clinical testing. Allele origin: germline.

GeneDx
Classification: Likely benign. Last evaluated: 2020-08-25. Review status: criteria provided, single submitter. Criteria: GeneDx Variant Classification Process June 2021. Collection method: clinical testing. Allele origin: germline. Affected: yes.

Illumina Laboratory Services, Illumina
Classification: Benign for Branchiootic syndrome 3. Last evaluated: 2018-01-13. Review status: criteria provided, single submitter. Criteria: ICSL Variant Classification Criteria 13 December 2019. Collection method: clinical testing. Allele origin: germline.
Comment: This variant was observed in the ICSL laboratory as part of a predisposition screen in an ostensibly healthy population. It had not been previously curated by ICSL or reported in the Human Gene Mutation Database (HGMD: prior to June 1st, 2018), and was therefore a candidate for classification through an automated scoring system. Utilizing variant allele frequency, disease prevalence and penetrance estimates, and inheritance mode, an automated score was calculated to assess if this variant is too frequent to cause the disease. Based on the score and internal cut-off values, a variant classified as benign is not then subjected to further curation. The score for this variant resulted in a classification of benign for this disease.

Illumina Laboratory Services, Illumina
Classification: Likely benign for Autosomal dominant nonsyndromic hearing loss 23. Last evaluated: 2018-01-13. Review status: criteria provided, single submitter. Criteria: ICSL Variant Classification Criteria 13 December 2019. Collection method: clinical testing. Allele origin: germline.
Comment: This variant was observed in the ICSL laboratory as part of a predisposition screen in an ostensibly healthy population. It had not been previously curated by ICSL or reported in the Human Gene Mutation Database (HGMD: prior to June 1st, 2018), and was therefore a candidate for classification through an automated scoring system. Utilizing variant allele frequency, disease prevalence and penetrance estimates, and inheritance mode, an automated score was calculated to assess if this variant is too frequent to cause the disease. Based on the score and internal cut-off values, a variant classified as likely benign is not then subjected to further curation. The score for this variant resulted in a classification of likely benign for this disease.

PreventionGenetics, part of Exact Sciences
Classification: Likely benign for SIX1-related condition. Last evaluated: 2022-04-21. Review status: no assertion criteria provided. Collection method: clinical testing. Allele origin: germline. Not counted in ClinVar's aggregate classification.
Comment: This variant is classified as likely benign based on ACMG/AMP sequence variant interpretation guidelines (Richards et al. 2015 PMID: 25741868, with internal and published modifications).

Clinical Genetics DNA and cytogenetics Diagnostics Lab, Erasmus MC, Erasmus Medical Center
Classification: Likely benign. Review status: no assertion criteria provided. Collection method: clinical testing. Allele origin: germline. Affected: yes. Study: VKGL Data-share Consensus. Not counted in ClinVar's aggregate classification.

Joint Genome Diagnostic Labs from Nijmegen and Maastricht, Radboudumc and MUMC+
Classification: Likely benign. Review status: no assertion criteria provided. Collection method: clinical testing. Allele origin: germline. Affected: yes. Study: VKGL Data-share Consensus. Not counted in ClinVar's aggregate classification.

NM_005982.4(SIX1):c.578A>T (p.Asn193Ile)

Gene: SIX1 (SIX homeobox 1; minus strand). Cytogenetic location: 14q23.1.
Variant type: single nucleotide variant.
Coding change: c.578A>T on transcript NM_005982.4 (MANE Select); coding-DNA position 578, A replaced by T.
Protein change: p.Asn193Ile; replaces asparagine 193 with isoleucine.
Molecular consequence: missense variant.
Genome position (GRCh38, 1-based): chr14:60,646,560, T>A on the plus strand (A>T on the coding strand, the complement: SIX1 is on the minus strand). VCF-style: chr14-60646560-T-A. GRCh37 (hg19) VCF-style: chr14-61113278-T-A.
Other names: p.Asn193Ile; short protein forms N193I.
Identifiers: ClinVar variation 313465 (VCV000313465.19), dbSNP rs142301715, ClinGen allele CA7212757.